The following is an entry in ClinVar:

NM_001083116.3(PRF1):c.563dup (p.Leu189fs)

Gene: PRF1 (perforin 1; minus strand). Cytogenetic location: 10q22.1.
Variant type: Duplication.
Coding change: c.563dup on transcript NM_001083116.3 (MANE Select); coding-DNA position 563, one base duplicated (C; older notation c.563dupC).
Protein change: p.Leu189fs; shifts the reading frame from leucine 189.
Molecular consequence: frameshift variant.
Genome position (GRCh38, 1-based): chr10:70,599,158, G duplicated on the plus strand (C on the coding strand, the reverse complement: PRF1 is on the minus strand); the first of 5 consecutive G bases (chr10:70,599,158-70,599,162); duplicating any one gives the same sequence. VCF-style (leftmost placement, unchanged base first): chr10-70599157-C-CG. GRCh37 (hg19) VCF-style: chr10-72358913-C-CG.
Other names: c.563dup, p.Leu189fs (NM_005041.6); short protein forms L189fs.
Identifiers: ClinVar variation 1446910 (VCV001446910.9), dbSNP rs1454231642, ClinGen allele CA668016262.

ClinVar aggregate classification (germline): Pathogenic/Likely pathogenic. Review status: criteria provided, multiple submitters, no conflicts (2 of 4 stars). 3 submissions from 3 submitters: Pathogenic (1); Likely pathogenic (2). Last evaluated 2024-10-16.

Conditions:
Familial hemophagocytic lymphohistiocytosis 2 (FHL2). Also called: PRF1-Related Familial Hemophagocytic Lymphohistiocytosis (PRF1-fHLH). Identifiers: Orphanet 540, MedGen C1863727, MONDO:0011337, OMIM 603553.
Aplastic anemia. Identifiers: Orphanet 182040, Orphanet 88, MedGen C0002874, MONDO:0015909, OMIM 609135, HP:0001915.

Submissions (3):

Labcorp Genetics (formerly Invitae), Labcorp
Classification: Pathogenic for Familial hemophagocytic lymphohistiocytosis 2. Last evaluated: 2024-10-16. Review status: criteria provided, single submitter. Criteria: Invitae Variant Classification Sherloc (09022015). Collection method: clinical testing. Allele origin: germline.
Comment: This sequence change creates a premature translational stop signal (p.Leu189Alafs*4) in the PRF1 gene. While this is not anticipated to result in nonsense mediated decay, it is expected to disrupt the last 367 amino acid(s) of the PRF1 protein. This variant is not present in population databases (gnomAD no frequency). This variant has not been reported in the literature in individuals affected with PRF1-related conditions. ClinVar contains an entry for this variant (Variation ID: 1446910). This variant disrupts a region of the PRF1 protein in which other variant(s) (p.Gln446Pro) have been determined to be pathogenic (PMID: 25326637, 26450956). This suggests that this is a clinically significant region of the protein, and that variants that disrupt it are likely to be disease-causing. For these reasons, this variant has been classified as Pathogenic.

Revvity Omics, Revvity
Classification: Likely pathogenic. Last evaluated: 2024-09-02. Review status: criteria provided, single submitter. Criteria: ACMG Guidelines, 2015. Collection method: clinical testing. Allele origin: germline.

Baylor Genetics
Classification: Likely pathogenic for Aplastic anemia. Last evaluated: 2023-11-26. Review status: criteria provided, single submitter. Criteria: ACMG Guidelines, 2015. Collection method: clinical testing. Allele origin: unknown.

Literature cited by the submitters: PubMed 25326637 (cited by Labcorp Genetics (formerly Invitae), Labcorp); PubMed 26450956 (cited by Labcorp Genetics (formerly Invitae), Labcorp).